The following is an entry in ClinVar:

NM_000135.4(FANCA):c.788C>T (p.Pro263Leu)

Gene: FANCA (FA complementation group A; minus strand). Cytogenetic location: 16q24.3.
Variant type: single nucleotide variant.
Coding change: c.788C>T on transcript NM_000135.4 (MANE Select); coding-DNA position 788, C replaced by T.
Protein change: p.Pro263Leu; replaces proline 263 with leucine.
Molecular consequence: missense variant.
Genome position (GRCh38, 1-based): chr16:89,803,263, G>A on the plus strand (C>T on the coding strand, the complement: FANCA is on the minus strand). VCF-style: chr16-89803263-G-A. GRCh37 (hg19) VCF-style: chr16-89869671-G-A.
Other names: c.788C>T, p.Pro263Leu (NM_001018112.3, NM_001286167.3); c.692C>T, p.Pro231Leu (NM_001351830.2); c.788C>T (NM_000135.3); short protein forms P231L, P263L.
Identifiers: ClinVar variation 2892926 (VCV002892926.3), dbSNP rs768965612, ClinGen allele CA286605276.
Genomic context (GRCh38, chr16:89,803,263, plus strand): 5'-ACTTGGAATAAGGACGGCTCCTTCCGCTAAACTCTTCACTTGACTTTTCCTCCTACCTGC[G>A]GCATTTTTTCAGGCTCCACAGTTCTTCTCAGATCTGAGTTTTTCTGAAATCCCCTCAAAA-3'
Protein context (NP_000126.2, residues 253-273): LRRTVEPEKM[Pro263Leu]QVTVDVLQRM

ClinVar aggregate classification (germline): Uncertain significance. Review status: criteria provided, multiple submitters, no conflicts (2 of 4 stars). 3 submissions from 3 submitters: Uncertain significance (3). Last evaluated 2024-10-23.

Conditions:
Fanconi anemia (FA). Also called: Fanconi's anemia. Identifiers: Orphanet 84, MedGen C0015625, MeSH D005199, MONDO:0019391.

Allele frequency attached by ClinVar (database versions not stated): gnomAD exomes 0.00001.
gnomAD v4.1: 19 of 1,613,878 alleles (0.0012%); highest among the groups gnomAD compares: East Asian, 0.0022%; no homozygotes.

Submissions (3):

Quest Diagnostics Nichols Institute San Juan Capistrano
Classification: Uncertain significance. Last evaluated: 2024-10-23. Review status: criteria provided, single submitter. Criteria: Quest Diagnostics criteria. Collection method: clinical testing. Allele origin: unknown.
Comment: The FANCA c.788C>T (p.Pro263Leu) variant has not been reported in individuals with FANCA related cancer in the published literature. The frequency of this variant in the general population, 0.000008 (2/251418 chromosomes (Genome Aggregation Database)), is uninformative in the assessment of its pathogenicity. Analysis of this variant using bioinformatics tools for the prediction of the effect of amino acid changes on protein structure and function yielded predictions that this variant is benign. Please note that these prediction tools are not fully validated, and therefore, should be viewed with caution. Based on the available information, we are unable to determine the clinical significance of this variant.

Blueprint Genetics
Classification: Uncertain significance. Last evaluated: 2023-02-13. Review status: criteria provided, single submitter. Criteria: ACMG Guidelines, 2015. Collection method: clinical testing. Allele origin: germline.

Labcorp Genetics (formerly Invitae), Labcorp
Classification: Uncertain significance for Fanconi anemia. Last evaluated: 2022-11-17. Review status: criteria provided, single submitter. Criteria: Invitae Variant Classification Sherloc (09022015). Collection method: clinical testing. Allele origin: germline.
Comment: This sequence change replaces proline, which is neutral and non-polar, with leucine, which is neutral and non-polar, at codon 263 of the FANCA protein (p.Pro263Leu). In summary, the available evidence is currently insufficient to determine the role of this variant in disease. Therefore, it has been classified as a Variant of Uncertain Significance. Advanced modeling of protein sequence and biophysical properties (such as structural, functional, and spatial information, amino acid conservation, physicochemical variation, residue mobility, and thermodynamic stability) has been performed at Invitae for this missense variant, however the output from this modeling did not meet the statistical confidence thresholds required to predict the impact of this variant on FANCA protein function. This variant has not been reported in the literature in individuals affected with FANCA-related conditions. This variant is not present in population databases (gnomAD no frequency).

Literature cited by the submitters: PubMed 35739269 (cited by Quest Diagnostics Nichols Institute San Juan Capistrano).